The following is an entry in ClinVar:

ClinVar aggregate classification (germline): Pathogenic (1 of 4 stars; one submission).

Conditions:
MHC class I deficiency. Identifiers: Orphanet 34592, MedGen C6024714, MONDO:0011476.

Submission:

Labcorp Genetics (formerly Invitae), Labcorp
Classification: Pathogenic for MHC class I deficiency 1. Last evaluated: 2025-08-25. Review status: criteria provided, single submitter. Criteria: Invitae Variant Classification Sherloc (09022015). Collection method: clinical testing. Allele origin: germline.
Comment: This sequence change creates a premature translational stop signal (p.Arg220*) in the TAP2 gene. It is expected to result in an absent or disrupted protein product. Loss-of-function variants in TAP2 are known to be pathogenic (PMID: 7517574, 11529920, 12067308, 23662797). This variant is present in population databases (no rsID available, gnomAD 0.007%). This premature translational stop signal has been observed in individual(s) with MHC class I deficiency (PMID: 11529920). ClinVar contains an entry for this variant (Variation ID: 2136377). For these reasons, this variant has been classified as Pathogenic.

Literature cited by the submitters: PubMed 7517574; PubMed 11529920; PubMed 12067308; PubMed 23662797.

NM_001290043.2(TAP2):c.658C>T (p.Arg220Ter)

Genes: TAP2 (transporter 2, ATP binding cassette subfamily B member; minus strand), LOC107648851 (meiotic recombination hotspot TAP2; plus strand). Cytogenetic location: 6p21.32.
Variant type: single nucleotide variant.
Coding change: c.658C>T on transcript NM_001290043.2 (MANE Select); coding-DNA position 658, C replaced by T.
Protein change: p.Arg220Ter; replaces arginine 220 with a stop codon.
Molecular consequence: nonsense.
Genome position (GRCh38, 1-based): chr6:32,835,724, G>A on the plus strand (C>T on the coding strand, the complement: TAP2 is on the minus strand). VCF-style: chr6-32835724-G-A. GRCh37 (hg19) VCF-style: chr6-32803501-G-A.
Other names: c.658C>T, p.Arg220Ter (NM_000544.3, NM_018833.3); short protein forms R220*.
Identifiers: ClinVar variation 2136377 (VCV002136377.4), dbSNP rs142794316, ClinGen allele CA363585291.